The following is an entry in ClinVar:

ClinVar aggregate classification (germline): Uncertain significance. Review status: criteria provided, multiple submitters, no conflicts (2 of 4 stars). 2 submissions from 2 submitters: Uncertain significance (2). Last evaluated 2021-06-28.

Conditions:
Charcot-Marie-Tooth disease type 2. Also called: Charcot-Marie-Tooth type 2. Identifiers: Orphanet 64746, MedGen C0270914, MONDO:0018993.
Cardiomyopathy (CMYO). Also called: Cardiomyopathies. Identifiers: Orphanet 167848, MedGen C0878544, MONDO:0004994, HP:0001638. Inheritance: Various modes of inheritance.

Allele frequency attached by ClinVar (database versions not stated): gnomAD exomes below 0.00001; ExAC 0.00001.

Submissions (2):

Labcorp Genetics (formerly Invitae), Labcorp
Classification: Uncertain significance for Charcot-Marie-Tooth disease type 2. Last evaluated: 2021-06-28. Review status: criteria provided, single submitter. Criteria: Invitae Variant Classification Sherloc (09022015). Collection method: clinical testing. Allele origin: germline.
Comment: This sequence change falls in intron 4 of the LMNA gene. It does not directly change the encoded amino acid sequence of the LMNA protein. It affects a nucleotide within the consensus splice site of the intron. This variant is present in population databases (rs780196737, ExAC 0.002%). This variant has not been reported in the literature in individuals affected with LMNA-related conditions. ClinVar contains an entry for this variant (Variation ID: 1172418). Nucleotide substitutions within the consensus splice site are a relatively common cause of aberrant splicing (PMID: 17576681, 9536098). Algorithms developed to predict the effect of sequence changes on RNA splicing suggest that this variant may create or strengthen a splice site. In summary, the available evidence is currently insufficient to determine the role of this variant in disease. Therefore, it has been classified as a Variant of Uncertain Significance.

Color Diagnostics, LLC DBA Color Health
Classification: Uncertain significance for Cardiomyopathy. Last evaluated: 2020-11-16. Review status: criteria provided, single submitter. Criteria: ACMG Guidelines, 2015. Collection method: clinical testing. Allele origin: germline.
Comment: This variant causes a C to A nucleotide substitution at the +4 position of intron 4 of the LMNA gene. Splice prediction tools and conservation analysis are inconclusive regarding the impact of this variant on RNA splicing. To our knowledge, functional studies have not been reported for this variant. This variant has not been reported in individuals affected with cardiovascular disorders in the literature. This variant has been identified in 1/251300 chromosomes in the general population by the Genome Aggregation Database (gnomAD). The available evidence is insufficient to determine the role of this variant in disease conclusively. Therefore, this variant is classified as a Variant of Uncertain Significance.

Literature cited by the submitters: PubMed 17576681 (cited by Labcorp Genetics (formerly Invitae), Labcorp); PubMed 9536098 (cited by Labcorp Genetics (formerly Invitae), Labcorp).

NM_170707.4(LMNA):c.810+4C>A

Gene: LMNA (lamin A/C; plus strand). Cytogenetic location: 1q22.
Variant type: single nucleotide variant.
Coding change: c.810+4C>A on transcript NM_170707.4 (MANE Select); 4 bases into the intron after coding-DNA position 810, C replaced by A.
Molecular consequence: intron variant.
Genome position (GRCh38, 1-based): chr1:156,134,979, C>A. VCF-style: chr1-156134979-C-A. GRCh37 (hg19) VCF-style: chr1-156104770-C-A.
Other names: c.810+4C>A (NM_005572.4, NM_001282625.2, NM_001282626.2 and 1 more transcripts); c.474+4C>A (NM_001257374.3); c.567+4C>A (NM_001282624.2).
Identifiers: ClinVar variation 1172418 (VCV001172418.8), dbSNP rs780196737, ClinGen allele CA054396.